The following is an entry in ClinVar:

NM_006000.3(TUBA4A):c.408G>A (p.Leu136=)

Gene: TUBA4A (tubulin alpha 4a; minus strand). Cytogenetic location: 2q35.
Variant type: single nucleotide variant.
Coding change: c.408G>A on transcript NM_006000.3 (MANE Select); coding-DNA position 408, G replaced by A.
Protein change: p.Leu136=; no amino-acid change (leucine 136 retained).
Molecular consequence: synonymous variant.
Genome position (GRCh38, 1-based): chr2:219,251,291, C>T on the plus strand (G>A on the coding strand, the complement: TUBA4A is on the minus strand). VCF-style: chr2-219251291-C-T. GRCh37 (hg19) VCF-style: chr2-220116013-C-T.
Other names: c.363G>A, p.Leu121= (NM_001278552.2).
Identifiers: ClinVar variation 3031546 (VCV003031546.2), dbSNP rs372079932, ClinGen allele CA2122468.
Genomic context (GRCh38, chr2:219,251,291, plus strand): 5'-CCGCTCCATCAGGAGTGAGGTGAAGCCAGAGCCAGTGCCCCCACCAAAGCTGTGGAACAC[C>T]AGGAAGCCCTGAAGTCCTGTGCACTGGTCAGACTGAAAGGCAAGAACGAGAAAGAACAGT-3'
Protein context (NP_005991.1, residues 126-146): SDQCTGLQGF[Leu136=]VFHSFGGGTG

ClinVar aggregate classification (germline): Likely benign (0 of 4 stars; one submission).

Conditions:
TUBA4A-related disorder. Also called: TUBA4A-related condition.

Allele frequency attached by ClinVar (database versions not stated): gnomAD exomes 0.00002; ExAC 0.00003; ESP Exome Variant Server 0.00008; TOPMed 0.00022; gnomAD 0.00027.
gnomAD v4.1: 68 of 1,613,130 alleles (0.0042%); highest among the groups gnomAD compares: African/African-American, 0.084%; no homozygotes.

Submission:

PreventionGenetics, part of Exact Sciences
Classification: Likely benign for TUBA4A-related condition. Last evaluated: 2022-08-24. Review status: no assertion criteria provided. Collection method: clinical testing. Allele origin: germline.
Comment: This variant is classified as likely benign based on ACMG/AMP sequence variant interpretation guidelines (Richards et al. 2015 PMID: 25741868, with internal and published modifications).